The following is an entry in ClinVar:

ClinVar aggregate classification (germline): Uncertain significance (1 of 4 stars; one submission).

Conditions:
Charcot-Marie-Tooth disease type 4. Also called: Charcot-Marie-Tooth disease, type IV; Charcot-Marie-Tooth, Type 4. Identifiers: Orphanet 64749, MedGen C4082197, MONDO:0018995.

Allele frequency attached by ClinVar (database versions not stated): gnomAD exomes below 0.00001; ExAC 0.00001.
gnomAD v4.1: 3 of 1,612,970 alleles (0.00019%); highest among the groups gnomAD compares: East Asian, 0.0022%; no homozygotes.

Submission:

Labcorp Genetics (formerly Invitae), Labcorp
Classification: Uncertain significance for Charcot-Marie-Tooth disease type 4. Last evaluated: 2024-08-31. Review status: criteria provided, single submitter. Criteria: Invitae Variant Classification Sherloc (09022015). Collection method: clinical testing. Allele origin: germline.
Comment: This sequence change replaces glycine, which is neutral and non-polar, with arginine, which is basic and polar, at codon 326 of the FIG4 protein (p.Gly326Arg). This variant is present in population databases (rs778157600, gnomAD 0.006%). This variant has not been reported in the literature in individuals affected with FIG4-related conditions. ClinVar contains an entry for this variant (Variation ID: 1407447). An algorithm developed to predict the effect of missense changes on protein structure and function (PolyPhen-2) suggests that this variant is likely to be disruptive. In summary, the available evidence is currently insufficient to determine the role of this variant in disease. Therefore, it has been classified as a Variant of Uncertain Significance.

NM_014845.6(FIG4):c.976G>A (p.Gly326Arg)

Gene: FIG4 (FIG4 phosphoinositide 5-phosphatase; plus strand). Cytogenetic location: 6q21.
Variant type: single nucleotide variant.
Coding change: c.976G>A on transcript NM_014845.6 (MANE Select); coding-DNA position 976, G replaced by A.
Protein change: p.Gly326Arg; replaces glycine 326 with arginine.
Molecular consequence: missense variant.
Genome position (GRCh38, 1-based): chr6:109,743,209, G>A. VCF-style: chr6-109743209-G-A. GRCh37 (hg19) VCF-style: chr6-110064412-G-A.
Other names: short protein forms G326R.
Identifiers: ClinVar variation 1407447 (VCV001407447.6), dbSNP rs778157600, ClinGen allele CA3955954.
Genomic context (GRCh38, chr6:109,743,209, plus strand): 5'-TGCGATGCTTCTGTGATGTCTTTCACTGCAGGAAGTTATTCTTCATATGTACAAGTTAGA[G>A]GATCTGTGCCCTTATACTGGTCTCAGGACATTTCAACTATGATGCCTAAACCACCTATTA-3'
Protein context (NP_055660.1, residues 316-336): GSYSSYVQVR[Gly326Arg]SVPLYWSQDI